The following is an entry in ClinVar:

NC_012920.1(MT-CYB):m.15467A>G

Gene: MT-CYB (mitochondrially encoded cytochrome b; plus strand).
Variant type: single nucleotide variant.
Genome position: chrM-15467-A-G.
Identifiers: ClinVar variation 618216 (VCV000618216.10), dbSNP rs1569484723, ClinGen allele CA913173949.

ClinVar aggregate classification (germline): Uncertain significance. Review status: reviewed by expert panel (3 of 4 stars). 3 submissions from 3 submitters: Uncertain significance (1). 2 of the submissions do not count toward it. Last evaluated 2023-03-28.

Conditions:
Mitochondrial disease. Also called: Mitochondrial disorders; Mitochondrial disorder. Identifiers: Orphanet 68380, MedGen C0751651, MeSH D028361, MONDO:0044970.
Leigh syndrome (NULS). Also called: Leigh's necrotizing encephalopathy; Leigh's syndrome; Leigh Disease; Leigh's disease; Leigh Syndrome (mtDNA deletion); LEIGH SYNDROME, NUCLEAR. Identifiers: Orphanet 506, MedGen C2931891, MONDO:0009723, OMIM 256000.

Submissions (3):

ClinGen Mitochondrial Disease Nuclear and Mitochondrial  Variant Curation Expert Panel, ClinGen
Classification: Uncertain significance for Mitochondrial disease. Last evaluated: 2023-03-28. Review status: reviewed by expert panel. Criteria: McCormick et al. (Hum Mutat. 2020). Collection method: curation. Allele origin: germline. Inheritance: Mitochondrial inheritance.
Comment: The m.15467A>G (p.T241A) variant in MT-CYB was reviewed by the Mitochondrial Disease Nuclear and Mitochondrial Variant Curation Expert Panel on March 28, 2023. There are no individuals or families with this variant reported in the medical literature to our knowledge. There are several occurrences in population databases. This variant is present in 0.083% of individuals in GenBank MITOMAP sequences (49/59,389; including multiple individuals from haplogroup T1a), in 0.023% of individuals in gnomAD v3.1.2 (13/56,431; 13 homoplasmic occurrences, seen in individuals from several haplogroups), and in 0.031% of individuals in the Helix dataset (60/195,983; seen in individuals from several haplogroups). In silico tools (APOGEE) predict this variant to be neutral (score of 0.47, BP4). There are no cybrid, single fiber, or other studies reported for this variant. In summary, this variant meets criteria to be classified as uncertain significance for primary mitochondrial disease inherited in a mitochondrial manner. This classification was approved by the NICHD/NINDS U24 ClinGen Mitochondrial Disease Variant Curation Expert Panel on March 28, 2023. Mitochondrial DNA-specific ACMG/AMP criteria applied (PMID: 32906214): BP4.

Wong Mito Lab, Molecular and Human Genetics, Baylor College of Medicine
Classification: Likely benign for Leigh syndrome. Last evaluated: 2019-10-17. Review status: criteria provided, single submitter. Criteria: Modified ACMG Guidelines (Unpublished). Collection method: clinical testing. Allele origin: germline. Not counted in ClinVar's aggregate classification.
Comment: The NC_012920.1:m.15467A>G (YP_003024038.1:p.Thr241Ala) variant in MTCYB gene is interpretated to be a Likely Benign variant based on the modified ACMG guidelines (unpublished). This variant meets the following evidence codes: BS1, BP4

ARUP Laboratories, Molecular Genetics and Genomics, ARUP Laboratories
Classification: Uncertain significance. Last evaluated: 2018-06-30. Review status: criteria provided, single submitter. Criteria: ARUP Molecular Germline Variant Investigation Process. Collection method: clinical testing. Allele origin: germline. Not counted in ClinVar's aggregate classification.
Comment: The m.15467A>G variant affects the MT-CYB gene (c.721A>G; p.Thr241Ala). This variant has not been reported in the medical literature, is not listed in gene-specific variant databases, nor has it been previously identified in our laboratory. It is also rare in the general population (0.02% allele frequency in MITOMAP), and the threonine at codon 241 is weakly conserved considering 13 species (Alamut software v2.11.0). Based on the available information, the clinical significance of the m.15467A>G variant cannot be determined with certainty.